The following is an entry in ClinVar:

ClinVar aggregate classification (germline): Uncertain significance (1 of 4 stars; one submission).

Conditions:
Hereditary sensory and autonomic neuropathy type 7. Also called: HSAN VII; Neuropathy, hereditary sensory and autonomic, type VII. Identifiers: Orphanet 391397, MedGen C3809882, MONDO:0014244, OMIM 615548.
Familial episodic pain syndrome with predominantly lower limb involvement. Also called: Episodic pain syndrome, familial, 3. Identifiers: Orphanet 391384, Orphanet 391392, MedGen C3809899, MONDO:0014247, OMIM 615552.

Allele frequency attached by ClinVar (database versions not stated): TOPMed 0.00001; gnomAD exomes 0.00002; gnomAD 0.00003; ExAC 0.00008; 1000 Genomes Project 30x 0.00016; 1000 Genomes Project 0.00020.

Submission:

Labcorp Genetics (formerly Invitae), Labcorp
Classification: Uncertain significance for Familial episodic pain syndrome with predominantly lower limb involvement; Hereditary sensory and autonomic neuropathy type 7. Last evaluated: 2024-02-03. Review status: criteria provided, single submitter. Criteria: Invitae Variant Classification Sherloc (09022015). Collection method: clinical testing. Allele origin: germline.
Comment: This sequence change replaces arginine, which is basic and polar, with cysteine, which is neutral and slightly polar, at codon 71 of the SCN11A protein (p.Arg71Cys). This variant is present in population databases (rs199820983, gnomAD 0.07%), and has an allele count higher than expected for a pathogenic variant. This variant has not been reported in the literature in individuals affected with SCN11A-related conditions. ClinVar contains an entry for this variant (Variation ID: 2063664). Advanced modeling of protein sequence and biophysical properties (such as structural, functional, and spatial information, amino acid conservation, physicochemical variation, residue mobility, and thermodynamic stability) performed at Invitae indicates that this missense variant is not expected to disrupt SCN11A protein function with a negative predictive value of 80%. In summary, the available evidence is currently insufficient to determine the role of this variant in disease. Therefore, it has been classified as a Variant of Uncertain Significance.

NM_001349253.2(SCN11A):c.211C>T (p.Arg71Cys)

Gene: SCN11A (sodium voltage-gated channel alpha subunit 11; minus strand). Cytogenetic location: 3p22.2.
Variant type: single nucleotide variant.
Coding change: c.211C>T on transcript NM_001349253.2 (MANE Select); coding-DNA position 211, C replaced by T.
Protein change: p.Arg71Cys; replaces arginine 71 with cysteine.
Molecular consequence: missense variant.
Genome position (GRCh38, 1-based): chr3:38,950,152, G>A on the plus strand (C>T on the coding strand, the complement: SCN11A is on the minus strand). VCF-style: chr3-38950152-G-A. GRCh37 (hg19) VCF-style: chr3-38991643-G-A.
Other names: c.211C>T, p.Arg71Cys (NM_014139.3); short protein forms R71C.
Identifiers: ClinVar variation 2063664 (VCV002063664.4), dbSNP rs199820983, ClinGen allele CA2322750.